The following is an entry in ClinVar:

NM_004070.4(CLCNKA):c.101-113C>T

Gene: CLCNKA (chloride voltage-gated channel Ka; plus strand). Cytogenetic location: 1p36.13.
Variant type: single nucleotide variant.
Coding change: c.101-113C>T on transcript NM_004070.4 (MANE Select); 113 bases into the intron before coding-DNA position 101, C replaced by T.
Molecular consequence: intron variant.
Genome position (GRCh38, 1-based): chr1:16,023,687, C>T. VCF-style: chr1-16023687-C-T. GRCh37 (hg19) VCF-style: chr1-16350182-C-T.
Other names: c.101-113C>T (NM_001042704.2, NM_001257139.2).
Identifiers: ClinVar variation 1706874 (VCV001706874.2), dbSNP rs140752147, ClinGen allele CA18308422.

ClinVar aggregate classification (germline): Likely benign (1 of 4 stars; one submission).

Allele frequency attached by ClinVar (database versions not stated): gnomAD exomes 0.00046; 1000 Genomes Project 0.00499; gnomAD 0.00521; 1000 Genomes Project 30x 0.00547; TOPMed 0.00554.
gnomAD v4.1: 1,362 of 1,334,422 alleles (0.1%); highest among the groups gnomAD compares: African/African-American, 1.8%; 19 homozygotes.

Submission:

GeneDx
Classification: Likely benign. Last evaluated: 2021-06-08. Review status: criteria provided, single submitter. Criteria: GeneDx Variant Classification Process June 2021. Collection method: clinical testing. Allele origin: germline. Affected: yes.
Comment: See Variant Classification Assertion Criteria.